The following is an entry in ClinVar:

NM_130837.3(OPA1):c.2835C>T (p.Thr945=)

Gene: OPA1 (OPA1 mitochondrial dynamin like GTPase; plus strand). Cytogenetic location: 3q29.
Variant type: single nucleotide variant.
Coding change: c.2835C>T on transcript NM_130837.3 (MANE Select); coding-DNA position 2835, C replaced by T.
Protein change: p.Thr945=; no amino-acid change (threonine 945 retained).
Molecular consequence: synonymous variant.
Genome position (GRCh38, 1-based): chr3:193,666,352, C>T. VCF-style: chr3-193666352-C-T. GRCh37 (hg19) VCF-style: chr3-193384141-C-T.
Other names: c.2301C>T, p.Thr767= (NM_001354663.2); c.2298C>T, p.Thr766= (NM_001354664.2); c.2670C>T, p.Thr890= (NM_015560.3); c.2562C>T, p.Thr854= (NM_130831.3); c.2616C>T, p.Thr872= (NM_130832.3); c.2673C>T, p.Thr891= (NM_130833.3); c.2724C>T, p.Thr908= (NM_130834.3); c.2727C>T, p.Thr909= (NM_130835.3); and 1 more.
Identifiers: ClinVar variation 1917042 (VCV001917042.7), dbSNP rs765605983, ClinGen allele CA2759756.

ClinVar aggregate classification (germline): Likely benign. Review status: criteria provided, multiple submitters, no conflicts (2 of 4 stars). 3 submissions from 3 submitters: Likely benign (3). Last evaluated 2025-12-17.

Conditions:
OPA1-related disorder. Also called: OPA1-related disorders; OPA1-related condition.

Allele frequency attached by ClinVar (database versions not stated): ExAC 0.00012.
gnomAD v4.1: 39 of 1,613,936 alleles (0.0024%); highest among the groups gnomAD compares: Admixed American, 0.033%; no homozygotes.

Submissions (3):

PreventionGenetics, part of Exact Sciences
Classification: Likely benign for OPA1-related condition. Last evaluated: 2025-12-17. Review status: criteria provided, single submitter. Criteria: ACMG Guidelines, 2015. Collection method: clinical testing. Allele origin: germline.
Comment: This variant is classified as likely benign based on ACMG/AMP sequence variant interpretation guidelines (Richards et al. 2015 PMID: 25741868, with internal and published modifications).

Labcorp Genetics (formerly Invitae), Labcorp
Classification: Likely benign. Last evaluated: 2024-11-05. Review status: criteria provided, single submitter. Criteria: Invitae Variant Classification Sherloc (09022015). Collection method: clinical testing. Allele origin: germline.

Blueprint Genetics
Classification: Likely benign. Last evaluated: 2022-06-29. Review status: criteria provided, single submitter. Criteria: ACMG Guidelines, 2015. Collection method: clinical testing. Allele origin: germline.